The following is an entry in ClinVar:

NM_000548.5(TSC2):c.5069-17C>T

Gene: TSC2 (TSC complex subunit 2; plus strand). Cytogenetic location: 16p13.3.
Variant type: single nucleotide variant.
Coding change: c.5069-17C>T on transcript NM_000548.5 (MANE Select); 17 bases into the intron before coding-DNA position 5069, C replaced by T.
Molecular consequence: intron variant.
Genome position (GRCh38, 1-based): chr16:2,088,031, C>T. VCF-style: chr16-2088031-C-T. GRCh37 (hg19) VCF-style: chr16-2138032-C-T.
Other names: c.3527-17C>T (NM_001406693.1, NM_001406692.1, NM_001406694.1); c.4961-17C>T (NM_001406667.1); c.4958-17C>T (NM_001406668.1); c.4469-17C>T (NM_001406680.1); c.4400-17C>T (NM_001406683.1, NM_001406682.1); c.4268-17C>T (NM_001406687.1, NM_001406688.1); c.3656-17C>T (NM_001406689.1); c.3596-17C>T (NM_001406690.1); and 26 more.
Identifiers: ClinVar variation 2727248 (VCV002727248.4), dbSNP rs2091081771, ClinGen allele CA2202030124.

ClinVar aggregate classification (germline): Likely benign. Review status: criteria provided, multiple submitters, no conflicts (2 of 4 stars). 2 submissions from 2 submitters: Likely benign (2). Last evaluated 2025-06-05.

Conditions:
Tuberous sclerosis 2 (TSC2). Identifiers: Orphanet 805, MedGen C1860707, MONDO:0013199, OMIM 613254.

Allele frequency attached by ClinVar (database versions not stated): gnomAD exomes below 0.00001.
gnomAD v4.1: 3 of 1,612,800 alleles (0.00019%); highest among the groups gnomAD compares: Non-Finnish European, 0.00025%; no homozygotes.

Submissions (2):

Myriad Genetics, Inc.
Classification: Likely benign for Tuberous sclerosis 2. Last evaluated: 2025-06-05. Review status: criteria provided, single submitter. Criteria: Myriad Autosomal Dominant, Autosomal Recessive and X-Linked Classification Criteria (2023). Collection method: clinical testing. Allele origin: unknown.
Comment: This variant is considered likely benign. This variant is intronic and is not expected to impact mRNA splicing.

Labcorp Genetics (formerly Invitae), Labcorp
Classification: Likely benign for Tuberous sclerosis 2. Last evaluated: 2023-08-03. Review status: criteria provided, single submitter. Criteria: Invitae Variant Classification Sherloc (09022015). Collection method: clinical testing. Allele origin: germline.